The following is an entry in ClinVar:

ClinVar aggregate classification (germline): Pathogenic (1 of 4 stars; one submission).

Submission:

Labcorp Genetics (formerly Invitae), Labcorp
Classification: Pathogenic. Last evaluated: 2022-08-10. Review status: criteria provided, single submitter. Criteria: Invitae Variant Classification Sherloc (09022015). Collection method: clinical testing. Allele origin: germline.
Comment: This sequence change creates a premature translational stop signal (p.Gly327Aspfs*46) in the INPPL1 gene. It is expected to result in an absent or disrupted protein product. Loss-of-function variants in INPPL1 are known to be pathogenic (PMID: 23273567, 23273569). For these reasons, this variant has been classified as Pathogenic. ClinVar contains an entry for this variant (Variation ID: 1430827). This variant has not been reported in the literature in individuals affected with INPPL1-related conditions. This variant is not present in population databases (gnomAD no frequency).

Literature cited by the submitters: PubMed 23273567; PubMed 23273569.

NM_001567.4(INPPL1):c.970_979dup (p.Gly327fs)

Gene: INPPL1 (inositol polyphosphate phosphatase like 1; plus strand). Cytogenetic location: 11q13.4.
Variant type: Duplication.
Coding change: c.970_979dup on transcript NM_001567.4 (MANE Select); coding-DNA positions 970 to 979, 10 bases duplicated (ACCAAGATTG; older notation c.970_979dupACCAAGATTG).
Protein change: p.Gly327fs; shifts the reading frame from glycine 327.
Molecular consequence: frameshift variant.
Genome position (GRCh38, 1-based): chr11:72,230,151-72,230,160, ACCAAGATTG duplicated; duplicating any 10 consecutive bases within chr11:72,230,149-72,230,160 gives the same sequence; the c. name uses the placement nearest the transcript's 3' end. VCF-style (leftmost placement, unchanged base first): chr11-72230148-C-CTGACCAAGAT. GRCh37 (hg19) VCF-style: chr11-71941192-C-CTGACCAAGAT.
Other names: short protein forms G327fs.
Identifiers: ClinVar variation 1430827 (VCV001430827.6), dbSNP rs2135426679, ClinGen allele CA2573147665.
Genomic context (GRCh38, chr11:72,230,148, plus strand): 5'-GTCTTGTCAGCAGCCTCCCCACCTGGCCTACAGGTGAAGCTAGATGTGACCCTGGGTGAC[C>CTGACCAAGAT]TGACCAAGATTGGGAAGTCACAGAAGTTCACGCTGAGCGTGGATGTGGAGGGTGGGCGGC-3'